The following is an entry in ClinVar:

NM_002435.3(MPI):c.16+16G>T

Gene: MPI (mannose phosphate isomerase; plus strand). Cytogenetic location: 15q24.1.
Variant type: single nucleotide variant.
Coding change: c.16+16G>T on transcript NM_002435.3 (MANE Select); 16 bases into the intron after coding-DNA position 16, G replaced by T.
Molecular consequence: intron variant.
Genome position (GRCh38, 1-based): chr15:74,890,105, G>T. VCF-style: chr15-74890105-G-T. GRCh37 (hg19) VCF-style: chr15-75182446-G-T.
Other names: c.-134+16G>T (NM_001330372.2); c.16+16G>T (NM_001289155.2, NM_001289157.2); c.-7+16G>T (NM_001289156.2).
Identifiers: ClinVar variation 682551 (VCV000682551.5), dbSNP rs751527702, ClinGen allele CA7662275.
Genomic context (GRCh38, chr15:74,890,105, plus strand): 5'-CGTGCTTAATCCTGGTGCAGGGGGCGAGCATGGCCGCTCCGCGAGGTGAGCCATTGGCTG[G>T]GGTGTCGGCGAGTGTGTTCGTGGAGCGCGTCCTGGGGACGACTCCCGGCATTATCGGCCA-3'

ClinVar aggregate classification (germline): Likely benign. Review status: criteria provided, multiple submitters, no conflicts (2 of 4 stars). 2 submissions from 2 submitters: Likely benign (2). Last evaluated 2023-12-28.

Conditions:
MPI-congenital disorder of glycosylation. Also called: CDG Ib; CONGENITAL DISORDER OF GLYCOSYLATION, TYPE Ib; MANNOSEPHOSPHATE ISOMERASE DEFICIENCY; PROTEIN-LOSING ENTEROPATHY-HEPATIC FIBROSIS SYNDROME; MPI DEFICIENCY; MPI-CDG. Identifiers: Orphanet 79319, MedGen C1865145, MONDO:0011257, OMIM 602579.

Allele frequency attached by ClinVar (database versions not stated): ExAC 0.00001; gnomAD 0.00001; gnomAD exomes 0.00001; TOPMed 0.00001.
gnomAD v4.1: 39 of 1,607,788 alleles (0.0024%); highest among the groups gnomAD compares: South Asian, 0.0077%; no homozygotes.

Submissions (2):

Labcorp Genetics (formerly Invitae), Labcorp
Classification: Likely benign for MPI-congenital disorder of glycosylation. Last evaluated: 2023-12-28. Review status: criteria provided, single submitter. Criteria: Invitae Variant Classification Sherloc (09022015). Collection method: clinical testing. Allele origin: germline.

GeneDx
Classification: Likely benign. Last evaluated: 2018-05-07. Review status: criteria provided, single submitter. Criteria: GeneDx Variant Classification (06012015). Collection method: clinical testing. Allele origin: germline. Affected: yes.
Comment: This variant is considered likely benign or benign based on one or more of the following criteria: it is a conservative change, it occurs at a poorly conserved position in the protein, it is predicted to be benign by multiple in silico algorithms, and/or has population frequency not consistent with disease.